The following is an entry in ClinVar:

ClinVar aggregate classification (germline): Uncertain significance. Review status: criteria provided, multiple submitters, no conflicts (2 of 4 stars). 2 submissions from 2 submitters: Uncertain significance (2). Last evaluated 2026-08-29.

Conditions:
RASopathy. Also called: Noonan spectrum disorder; rasopathies. Identifiers: Orphanet 536391, MedGen C5555857, MONDO:0021060.
Cardiovascular phenotype. Identifiers: MedGen CN230736.

Submissions (2):

Ambry Genetics
Classification: Uncertain significance for Cardiovascular phenotype. Last evaluated: 2026-08-29. Review status: criteria provided, single submitter. Criteria: Ambry Variant Classification Scheme 2023. Collection method: clinical testing. Allele origin: germline.
Comment: The p.S256C variant (also known as c.767C>G), located in coding exon 7 of the MAP2K2 gene, results from a C to G substitution at nucleotide position 767. The serine at codon 256 is replaced by cysteine, an amino acid with dissimilar properties. This amino acid position is conserved. In addition, this alteration is predicted to be deleterious by in silico analysis. Based on the available evidence, the clinical significance of this variant remains unclear.

Labcorp Genetics (formerly Invitae), Labcorp
Classification: Uncertain significance for RASopathy. Last evaluated: 2024-10-18. Review status: criteria provided, single submitter. Criteria: Invitae Variant Classification Sherloc (09022015). Collection method: clinical testing. Allele origin: germline.
Comment: This sequence change replaces serine, which is neutral and polar, with cysteine, which is neutral and slightly polar, at codon 256 of the MAP2K2 protein (p.Ser256Cys). This variant is not present in population databases (gnomAD no frequency). This variant has not been reported in the literature in individuals affected with MAP2K2-related conditions. ClinVar contains an entry for this variant (Variation ID: 2127541). Invitae Evidence Modeling of protein sequence and biophysical properties (such as structural, functional, and spatial information, amino acid conservation, physicochemical variation, residue mobility, and thermodynamic stability) indicates that this missense variant is not expected to disrupt MAP2K2 protein function with a negative predictive value of 95%. In summary, the available evidence is currently insufficient to determine the role of this variant in disease. Therefore, it has been classified as a Variant of Uncertain Significance.

NM_030662.4(MAP2K2):c.767C>G (p.Ser256Cys)

Gene: MAP2K2 (mitogen-activated protein kinase kinase 2; minus strand). Cytogenetic location: 19p13.3.
Variant type: single nucleotide variant.
Coding change: c.767C>G on transcript NM_030662.4 (MANE Select); coding-DNA position 767, C replaced by G.
Protein change: p.Ser256Cys; replaces serine 256 with cysteine.
Molecular consequence: missense variant.
Genome position (GRCh38, 1-based): chr19:4,099,353, G>C on the plus strand (C>G on the coding strand, the complement: MAP2K2 is on the minus strand). VCF-style: chr19-4099353-G-C. GRCh37 (hg19) VCF-style: chr19-4099351-G-C.
Other names: short protein forms S256C.
Identifiers: ClinVar variation 2127541 (VCV002127541.5), dbSNP rs2145050282, ClinGen allele CA403386616.
Genomic context (GRCh38, chr19:4,099,353, plus strand): 5'-TCCAGCTCTTTGGCGTCGGGCGGGGGGATGGGGTACCTTCCGACGGCCAGCTCCACCAGG[G>C]ACAGGCCCATGCTCCAGATGTCCGACTGCACCGAGTAATGTGTGCCCTGCAACCGCTCCG-3'
Protein context (NP_109587.1, residues 246-266): VQSDIWSMGL[Ser256Cys]LVELAVGRYP